The following is an entry in ClinVar:

NM_016725.3(FOLR1):c.-30G>A

Genes: FOLR1 (folate receptor alpha; plus strand), FOLR1-AS1 (FOLR1 antisense RNA 1; minus strand). Cytogenetic location: 11q13.4.
Variant type: single nucleotide variant.
Coding change: c.-30G>A on transcript NM_016725.3; 30 bases upstream of the start codon, G replaced by A.
Molecular consequence: 5 prime UTR variant.
Genome position (GRCh38, 1-based): chr11:72,189,738, G>A. VCF-style: chr11-72189738-G-A. GRCh37 (hg19) VCF-style: chr11-71900782-G-A.
Other names: c.-96G>A (NM_016724.3).
Identifiers: ClinVar variation 510642 (VCV000510642.3), dbSNP rs919336828, ClinGen allele CA224398907.

ClinVar aggregate classification (germline): Likely benign (1 of 4 stars; one submission).

Allele frequency attached by ClinVar (database versions not stated): TOPMed 0.00015; gnomAD 0.00015 and 0.00018.

Submission:

GeneDx
Classification: Likely benign. Last evaluated: 2017-07-10. Review status: criteria provided, single submitter. Criteria: GeneDx Variant Classification (06012015). Collection method: clinical testing. Allele origin: germline. Affected: yes.
Comment: This variant is considered likely benign or benign based on one or more of the following criteria: it is a conservative change, it occurs at a poorly conserved position in the protein, it is predicted to be benign by multiple in silico algorithms, and/or has population frequency not consistent with disease.